The following is an entry in ClinVar:

ClinVar aggregate classification (germline): Uncertain significance (1 of 4 stars; one submission).

Submission:

Labcorp Genetics (formerly Invitae), Labcorp
Classification: Uncertain significance. Last evaluated: 2025-07-20. Review status: criteria provided, single submitter. Criteria: Invitae Variant Classification Sherloc (09022015). Collection method: clinical testing. Allele origin: germline.
Comment: This sequence change replaces methionine, which is neutral and non-polar, with threonine, which is neutral and polar, at codon 1819 of the POLE protein (p.Met1819Thr). This variant is not present in population databases (gnomAD no frequency). This variant has not been reported in the literature in individuals affected with POLE-related conditions. ClinVar contains an entry for this variant (Variation ID: 3630068). Invitae Evidence Modeling of protein sequence and biophysical properties (such as structural, functional, and spatial information, amino acid conservation, physicochemical variation, residue mobility, and thermodynamic stability) indicates that this missense variant is not expected to disrupt POLE protein function with a negative predictive value of 80%. In summary, the available evidence is currently insufficient to determine the role of this variant in disease. Therefore, it has been classified as a Variant of Uncertain Significance.

NM_006231.4(POLE):c.5456T>C (p.Met1819Thr)

Gene: POLE (DNA polymerase epsilon, catalytic subunit; minus strand). Cytogenetic location: 12q24.33.
Variant type: single nucleotide variant.
Coding change: c.5456T>C on transcript NM_006231.4 (MANE Select); coding-DNA position 5456, T replaced by C.
Protein change: p.Met1819Thr; replaces methionine 1819 with threonine.
Molecular consequence: missense variant.
Genome position (GRCh38, 1-based): chr12:132,639,221, A>G on the plus strand (T>C on the coding strand, the complement: POLE is on the minus strand). VCF-style: chr12-132639221-A-G. GRCh37 (hg19) VCF-style: chr12-133215807-A-G.
Other names: short protein forms M1819T.
Identifiers: ClinVar variation 3630068 (VCV003630068.2).